The following is an entry in ClinVar:

NM_000489.6(ATRX):c.1396A>T (p.Arg466Ter)

Gene: ATRX (ATRX chromatin remodeler; minus strand). Cytogenetic location: Xq21.1.
Variant type: single nucleotide variant.
Coding change: c.1396A>T on transcript NM_000489.6 (MANE Select); coding-DNA position 1396, A replaced by T.
Protein change: p.Arg466Ter; replaces arginine 466 with a stop codon.
Molecular consequence: nonsense.
Genome position (GRCh38, 1-based): chrX:77,683,860, T>A on the plus strand (A>T on the coding strand, the complement: ATRX is on the minus strand). VCF-style: chrX-77683860-T-A. GRCh37 (hg19) VCF-style: chrX-76939352-T-A.
Other names: c.1282A>T, p.Arg428Ter (NM_138270.5); short protein forms R428*, R466*.
Identifiers: ClinVar variation 2429153 (VCV002429153.5), dbSNP rs2148623651, ClinGen allele CA413718236.

ClinVar aggregate classification (germline): Likely pathogenic (1 of 4 stars; one submission).

Conditions:
Alpha thalassemia-X-linked intellectual disability syndrome (ATRX). Also called: ALPHA-THALASSEMIA/MENTAL RETARDATION SYNDROME, X-LINKED; ATR, NONDELETION TYPE; ATR-X syndrome; Alpha thalassemia mental retardation syndrome, nondeletion type, X-linked; XLMR hypotonic face syndrome; X-linked alpha-thalassemia-mental retardation syndrome. Identifiers: Orphanet 847, MedGen C1845055, MONDO:0010519, OMIM 301040.

Submission:

Women's Health and Genetics/Laboratory Corporation of America, LabCorp
Classification: Likely pathogenic for Alpha thalassemia-X-linked intellectual disability syndrome. Last evaluated: 2023-01-31. Review status: criteria provided, single submitter. Criteria: LabCorp Variant Classification Summary - May 2015. Collection method: clinical testing. Allele origin: germline.
Comment: Variant summary: ATRX c.1396A>T (p.Arg466X) results in a premature termination codon, predicted to cause a truncation of the encoded protein or absence of the protein due to nonsense mediated decay, which are commonly known mechanisms for disease. Truncations downstream of this position have been classified as pathogenic in ClinVar. The variant was absent in 182629 control chromosomes. To our knowledge, no occurrence of c.1396A>T in individuals affected with ATR-X Syndrome and no experimental evidence demonstrating its impact on protein function have been reported. No submitters have provided clinical-significance assessments for this variant to ClinVar after 2014. Based on the evidence outlined above, the variant was classified as likely pathogenic.